The following is an entry in ClinVar:

ClinVar aggregate classification (germline): Conflicting classifications of pathogenicity. Review status: criteria provided, conflicting classifications (1 of 4 stars). 4 submissions from 4 submitters: Uncertain significance (3); Likely benign (1). Last evaluated 2025-07-25.

Conditions:
Hereditary cancer-predisposing syndrome. Also called: Neoplastic Syndromes, Hereditary; Tumor predisposition; Hereditary Cancer Syndrome; Hereditary neoplastic syndrome. Identifiers: Orphanet 140162, MedGen C0027672, MeSH D009386, MONDO:0015356.
Pheochromocytoma/paraganglioma syndrome 4. Also called: CAROTID BODY TUMORS AND MULTIPLE EXTRAADRENAL PHEOCHROMOCYTOMAS; SDHB-Related Hereditary Paraganglioma-Pheochromocytoma Syndrome (Paragangliomas 4); SDHB-Related Hereditary Paraganglioma-Pheochromocytoma Syndrome; PARAGANGLIOMA, FAMILIAL MALIGNANT; PARAGANGLIOMAS, HEREDITARY EXTRAADRENAL; PHEOCHROMOCYTOMA, FAMILIAL EXTRAADRENAL. Identifiers: Orphanet 29072, MedGen C1861848, MONDO:0007273, OMIM 115310.
Gastrointestinal stromal tumor. Also called: Gastrointestinal stromal tumor, somatic; Gastrointestinal stroma tumor. Identifiers: Orphanet 44890, MedGen C0238198, MeSH D046152, MONDO:0011719, OMIM 606764, HP:0100723.
Pheochromocytoma. Also called: MAX-Related Hereditary Paraganglioma-Pheochromocytoma Syndrome. Identifiers: Orphanet 29072, MedGen C0031511, MONDO:0008233, OMIM 171300, HP:0002666.

Allele frequency attached by ClinVar (database versions not stated): gnomAD 0.00003; TOPMed 0.00003.
gnomAD v4.1: 9 of 1,613,844 alleles (0.00056%); highest among the groups gnomAD compares: African/African-American, 0.012%; no homozygotes.

Submissions (4):

Labcorp Genetics (formerly Invitae), Labcorp
Classification: Likely benign for Gastrointestinal stromal tumor; Pheochromocytoma/paraganglioma syndrome 4; Pheochromocytoma. Last evaluated: 2025-07-25. Review status: criteria provided, single submitter. Criteria: Invitae Variant Classification Sherloc (09022015). Collection method: clinical testing. Allele origin: germline.

Ambry Genetics
Classification: Uncertain significance for Hereditary cancer-predisposing syndrome. Last evaluated: 2024-11-29. Review status: criteria provided, single submitter. Criteria: Ambry Variant Classification Scheme 2023. Collection method: clinical testing. Allele origin: germline.
Comment: The c.200+4A>C intronic variant results from an A to C substitution 4 nucleotides after coding exon 2 in the SDHB gene. This nucleotide position is well conserved in available vertebrate species. In silico splice site analysis predicts that this alteration will not have any significant effect on splicing. Based on the available evidence, the clinical significance of this variant remains unclear.

GeneDx
Classification: Uncertain significance. Last evaluated: 2024-10-14. Review status: criteria provided, single submitter. Criteria: GeneDx Variant Classification Process June 2021. Collection method: clinical testing. Allele origin: germline. Affected: yes.
Comment: Not observed at significant frequency in large population cohorts (gnomAD); In silico analysis indicates that this variant does not alter splicing; Has not been previously published as pathogenic or benign to our knowledge

Baylor Genetics
Classification: Uncertain significance for Gastrointestinal stromal tumor. Last evaluated: 2023-12-05. Review status: criteria provided, single submitter. Criteria: ACMG Guidelines, 2015. Collection method: clinical testing. Allele origin: unknown.

NM_003000.3(SDHB):c.200+4A>C

Gene: SDHB (succinate dehydrogenase complex iron sulfur subunit B; minus strand). Cytogenetic location: 1p36.13.
Variant type: single nucleotide variant.
Coding change: c.200+4A>C on transcript NM_003000.3 (MANE Select); 4 bases into the intron after coding-DNA position 200, A replaced by C.
Molecular consequence: intron variant.
Genome position (GRCh38, 1-based): chr1:17,044,757, T>G on the plus strand (A>C on the coding strand, the complement: SDHB is on the minus strand). VCF-style: chr1-17044757-T-G. GRCh37 (hg19) VCF-style: chr1-17371252-T-G.
Identifiers: ClinVar variation 846985 (VCV000846985.16), dbSNP rs774908929, ClinGen allele CA18610355.
Genomic context (GRCh38, chr1:17,044,757, plus strand): 5'-AAGCATGTCCCTAAATCAAATCAAGAACTCTCCTTCAATAGCTGGCTTTCACAGAGATAC[T>G]CACTTATTAAGGTCAACTTCATAAGTCTGCATATGAGGTTTGTCTCCAGCCTTGTCTGGG-3'